The following is an entry in ClinVar:

ClinVar aggregate classification (germline): Likely pathogenic (1 of 4 stars; one submission).

Conditions:
Autosomal recessive limb-girdle muscular dystrophy type 2J (LGMDR10). Also called: Limb-girdle muscular dystrophy, type 2J; MUSCULAR DYSTROPHY, LIMB-GIRDLE, AUTOSOMAL RECESSIVE 10. Identifiers: Orphanet 140922, MedGen C1837342, MONDO:0012127, OMIM 608807.
Dilated cardiomyopathy 1G (CMD1G). Identifiers: Orphanet 154, MedGen C1858763, MONDO:0011400, OMIM 604145.

Submission:

Labcorp Genetics (formerly Invitae), Labcorp
Classification: Likely pathogenic for Dilated cardiomyopathy 1G; Autosomal recessive limb-girdle muscular dystrophy type 2J. Last evaluated: 2026-01-19. Review status: criteria provided, single submitter. Criteria: Invitae Variant Classification Sherloc (09022015). Collection method: clinical testing. Allele origin: germline.
Comment: This sequence change creates a premature translational stop signal (p.Trp20984*) in the TTN gene. While this is not anticipated to result in nonsense mediated decay, it is expected to create a truncated TTN protein. This variant is not present in population databases (gnomAD no frequency). This variant has not been reported in the literature in individuals affected with TTN-related conditions. ClinVar contains an entry for this variant (Variation ID: 3754400). This variant is located in the A band of TTN (PMID: 25589632). Truncating variants in this region are significantly overrepresented in patients affected with dilated cardiomyopathy (PMID: 25589632). Truncating variants in this region have also been reported in individuals affected with autosomal recessive centronuclear myopathy (PMID: 23975875). In summary, the currently available evidence indicates that the variant is pathogenic, but additional data are needed to prove that conclusively. Therefore, this variant has been classified as Likely Pathogenic.

Literature cited by the submitters: PubMed 25589632; PubMed 23975875.

NM_001267550.2(TTN):c.62951G>A (p.Trp20984Ter)

Genes: TTN (titin; minus strand), TTN-AS1 (TTN antisense RNA 1; plus strand). Cytogenetic location: 2q31.2.
Variant type: single nucleotide variant.
Coding change: c.62951G>A on transcript NM_001267550.2 (MANE Select); coding-DNA position 62951, G replaced by A.
Protein change: p.Trp20984Ter; replaces tryptophan 20984 with a stop codon.
Molecular consequence: nonsense.
Genome position (GRCh38, 1-based): chr2:178,588,774, C>T on the plus strand (G>A on the coding strand, the complement: TTN is on the minus strand). VCF-style: chr2-178588774-C-T. GRCh37 (hg19) VCF-style: chr2-179453501-C-T.
Other names: c.58028G>A, p.Trp19343Ter (NM_001256850.1); c.35756G>A, p.Trp11919Ter (NM_003319.4); c.55247G>A, p.Trp18416Ter (NM_133378.4); c.36131G>A, p.Trp12044Ter (NM_133432.3); c.36332G>A, p.Trp12111Ter (NM_133437.4); short protein forms W11919*, W12044*, W12111*, W18416*, W19343*, W20984*.
Identifiers: ClinVar variation 3754400 (VCV003754400.2).